The following is an entry in ClinVar:

NM_001388367.1(NBPF9):c.2020A>T (p.Met674Leu)

Gene: NBPF9 (NBPF member 9; minus strand). Cytogenetic location: 1q21.2.
Variant type: single nucleotide variant.
Coding change: c.2020A>T on transcript NM_001388367.1 (MANE Select); coding-DNA position 2020, A replaced by T.
Protein change: p.Met674Leu; replaces methionine 674 with leucine.
Molecular consequence: missense variant.
Genome position (GRCh38, 1-based): chr1:149,063,639, T>A on the plus strand (A>T on the coding strand, the complement: NBPF9 is on the minus strand). VCF-style: chr1-149063639-T-A. GRCh37 (hg19) VCF-style: chr1-144823979-A-T.
Other names: c.2020A>T, p.Met674Leu (NM_001037675.4, NM_001277444.2, NM_001388366.1 and 15 more transcripts); c.1909A>T, p.Met637Leu (NM_001388371.1); short protein forms M637L, M674L.
Identifiers: ClinVar variation 3898235 (VCV003898235.7).

ClinVar aggregate classification (germline): Likely benign (1 of 4 stars; one submission).

gnomAD v4.1: 2,456 of 614,424 alleles (0.4%); highest among the groups gnomAD compares: Non-Finnish European, 0.55%; 5 homozygotes.

Submission:

CeGaT Center for Human Genetics Tuebingen
Classification: Likely benign. Last evaluated: 2026-05-01. Review status: criteria provided, single submitter. Criteria: CeGaT Center For Human Genetics Tuebingen Variant Classification Criteria Version 2. Collection method: clinical testing. Allele origin: germline. Affected: yes. Observed: 4 variant alleles.
Comment: NBPF9: BS2